The following is an entry in ClinVar:

ClinVar aggregate classification (germline): Uncertain significance (1 of 4 stars; one submission).

Allele frequency attached by ClinVar (database versions not stated): ExAC 0.00001.
gnomAD v4.1: 1 of 1,613,972 alleles (0.000062%); highest among the groups gnomAD compares: Admixed American, 0.0017%; no homozygotes.

Submission:

Ambry Genetics
Classification: Uncertain significance. Last evaluated: 2021-09-09. Review status: criteria provided, single submitter. Criteria: Ambry Variant Classification Scheme 2023. Collection method: clinical testing. Allele origin: germline.
Comment: The p.T589I variant (also known as c.1766C>T), located in coding exon 16 of the BUB1 gene, results from a C to T substitution at nucleotide position 1766. The threonine at codon 589 is replaced by isoleucine, an amino acid with similar properties. This amino acid position is conserved. In addition, this alteration is predicted to be tolerated by in silico analysis. Since supporting evidence is limited at this time, the clinical significance of this alteration remains unclear.

NM_004336.5(BUB1):c.1766C>T (p.Thr589Ile)

Gene: BUB1 (BUB1 mitotic checkpoint serine/threonine kinase; minus strand). Cytogenetic location: 2q13.
Variant type: single nucleotide variant.
Coding change: c.1766C>T on transcript NM_004336.5 (MANE Select); coding-DNA position 1766, C replaced by T.
Protein change: p.Thr589Ile; replaces threonine 589 with isoleucine.
Molecular consequence: missense variant.
Genome position (GRCh38, 1-based): chr2:110,655,849, G>A on the plus strand (C>T on the coding strand, the complement: BUB1 is on the minus strand). VCF-style: chr2-110655849-G-A. GRCh37 (hg19) VCF-style: chr2-111413426-G-A.
Other names: c.1706C>T, p.Thr569Ile (NM_001278616.2); c.1766C>T, p.Thr589Ile (NM_001278617.2); short protein forms T569I, T589I.
Identifiers: ClinVar variation 1779687 (VCV001779687.2), dbSNP rs763687861, ClinGen allele CA1827978.